The following is an entry in ClinVar:

NM_000488.4(SERPINC1):c.1275T>C (p.Arg425=)

Gene: SERPINC1 (serpin family C member 1; minus strand). Cytogenetic location: 1q25.1.
Variant type: single nucleotide variant.
Coding change: c.1275T>C on transcript NM_000488.4 (MANE Select); coding-DNA position 1275, T replaced by C.
Protein change: p.Arg425=; no amino-acid change (arginine 425 retained).
Molecular consequence: synonymous variant.
Genome position (GRCh38, 1-based): chr1:173,904,009, A>G on the plus strand (T>C on the coding strand, the complement: SERPINC1 is on the minus strand). VCF-style: chr1-173904009-A-G. GRCh37 (hg19) VCF-style: chr1-173873147-A-G.
Other names: NM_000488.4(SERPINC1):c.1275T>C; p.Arg425=; c.1131T>C, p.Arg377= (NM_001365052.2); c.1398T>C, p.Arg466= (NM_001386302.1); c.1356T>C, p.Arg452= (NM_001386303.1); c.1254T>C, p.Arg418= (NM_001386304.1); c.1218T>C, p.Arg406= (NM_001386305.1); c.1059T>C, p.Arg353= (NM_001386306.1).
Identifiers: ClinVar variation 1610571 (VCV001610571.9), dbSNP rs1227097057, ClinGen allele CA421821556.

ClinVar aggregate classification (germline): Uncertain significance. Review status: reviewed by expert panel (3 of 4 stars). 2 submissions from 2 submitters: Uncertain significance (1). 1 of the submissions does not count toward it. Last evaluated 2024-10-02.

Conditions:
Hereditary antithrombin deficiency (AT3D). Also called: Antithrombin III deficiency; Thrombophilia due to antithrombin III deficiency; Antithrombin deficiency; Reduced antithrombin III activity. Identifiers: Orphanet 82, MedGen C0272375, MONDO:0013144, OMIM 613118, HP:0001976.

Allele frequency attached by ClinVar (database versions not stated): gnomAD exomes below 0.00001.
gnomAD v4.1: 2 of 1,614,200 alleles (0.00012%); highest among the groups gnomAD compares: Non-Finnish European, 0.00017%; no homozygotes.

Submissions (2):

Clingen Thrombosis Variant Curation Expert Panel, ClinGen
Classification: Uncertain significance for Hereditary antithrombin deficiency. Last evaluated: 2024-10-02. Review status: reviewed by expert panel. Criteria: ClinGen ACMG Specifications SERPINC1 V1.0.0. Collection method: curation. Allele origin: germline. Inheritance: Autosomal dominant inheritance.
Comment: The c.1275T>C (NM_000488.4) variant in SERPINC1 does not code for a different amino acid (p.Arg425=). SpliceAI predicts no splicing impact for this variant meeting BP4. The variant is reported at a POPMAX FAF of 0.000008797 (1/113670) in the European population in gnomAD v2.1.1 which meets PM2_supporting criteria (MAF < 2.0 X 10-5 in gnomAD). In summary, based on the evidence available at this time, the clinical significance of this variant is uncertain. ACMG/AMP criteria applied, as specified by the Thrombosis Variant Curation Expert Panel for SERPINC1: BP4, PM2_supporting.

Labcorp Genetics (formerly Invitae), Labcorp
Classification: Likely benign for Hereditary antithrombin deficiency. Last evaluated: 2021-08-01. Review status: criteria provided, single submitter. Criteria: Invitae Variant Classification Sherloc (09022015). Collection method: clinical testing. Allele origin: germline. Not counted in ClinVar's aggregate classification.